The following is an entry in ClinVar:

NM_001042681.2(RERE):c.4485C>T (p.Phe1495=)

Gene: RERE (arginine-glutamic acid dipeptide repeats; minus strand). Cytogenetic location: 1p36.23.
Variant type: single nucleotide variant.
Coding change: c.4485C>T on transcript NM_001042681.2 (MANE Select); coding-DNA position 4485, C replaced by T.
Protein change: p.Phe1495=; no amino-acid change (phenylalanine 1495 retained).
Molecular consequence: synonymous variant.
Genome position (GRCh38, 1-based): chr1:8,356,101, G>A on the plus strand (C>T on the coding strand, the complement: RERE is on the minus strand). VCF-style: chr1-8356101-G-A. GRCh37 (hg19) VCF-style: chr1-8416161-G-A.
Other names: c.2823C>T, p.Phe941= (NM_001042682.2); c.4485C>T, p.Phe1495= (NM_012102.4).
Identifiers: ClinVar variation 3024842 (VCV003024842.22), dbSNP rs374213333, ClinGen allele CA570787.

ClinVar aggregate classification (germline): Likely benign (1 of 4 stars; one submission).

Allele frequency attached by ClinVar (database versions not stated): TOPMed below 0.00001; gnomAD 0.00001; gnomAD exomes 0.00001; ExAC 0.00002; ESP Exome Variant Server 0.00008.
gnomAD v4.1: 9 of 1,497,424 alleles (0.0006%); highest among the groups gnomAD compares: South Asian, 0.0066%; no homozygotes.

Submission:

CeGaT Center for Human Genetics Tuebingen
Classification: Likely benign. Last evaluated: 2024-01-01. Review status: criteria provided, single submitter. Criteria: CeGaT Center For Human Genetics Tuebingen Variant Classification Criteria Version 2. Collection method: clinical testing. Allele origin: germline. Affected: yes. Observed: 1 variant allele.
Comment: RERE: BP4, BP7